The following is an entry in ClinVar:

ClinVar aggregate classification (germline): Uncertain significance (1 of 4 stars; one submission).

gnomAD v4.1: 27 of 1,555,656 alleles (0.0017%); highest among the groups gnomAD compares: Non-Finnish European, 0.0023%; no homozygotes.

Submission:

Labcorp Genetics (formerly Invitae), Labcorp
Classification: Uncertain significance. Last evaluated: 2025-09-11. Review status: criteria provided, single submitter. Criteria: Invitae Variant Classification Sherloc (09022015). Collection method: clinical testing. Allele origin: germline.
Comment: This sequence change replaces proline, which is neutral and non-polar, with arginine, which is basic and polar, at codon 32 of the TFAM protein (p.Pro32Arg). This variant is present in population databases (no rsID available, gnomAD 0.006%). This variant has not been reported in the literature in individuals affected with TFAM-related conditions. ClinVar contains an entry for this variant (Variation ID: 3664711). An algorithm developed to predict the effect of missense changes on protein structure and function (PolyPhen-2) suggests that this variant is likely to be tolerated. In summary, the available evidence is currently insufficient to determine the role of this variant in disease. Therefore, it has been classified as a Variant of Uncertain Significance.

NM_003201.3(TFAM):c.95C>G (p.Pro32Arg)

Gene: TFAM (transcription factor A, mitochondrial; plus strand). Cytogenetic location: 10q21.1.
Variant type: single nucleotide variant.
Coding change: c.95C>G on transcript NM_003201.3 (MANE Select); coding-DNA position 95, C replaced by G.
Protein change: p.Pro32Arg; replaces proline 32 with arginine.
Molecular consequence: missense variant. On other transcripts: non-coding transcript variant (1).
Genome position (GRCh38, 1-based): chr10:58,385,642, C>G. VCF-style: chr10-58385642-C-G. GRCh37 (hg19) VCF-style: chr10-60145402-C-G.
Other names: c.95C>G, p.Pro32Arg (NM_001270782.2); short protein forms P32R.
Identifiers: ClinVar variation 3664711 (VCV003664711.2).